The following is an entry in ClinVar:

NM_058216.3(RAD51C):c.977T>C (p.Leu326Ser)

Gene: RAD51C (RAD51 paralog C; plus strand). Cytogenetic location: 17q22.
Variant type: single nucleotide variant.
Coding change: c.977T>C on transcript NM_058216.3 (MANE Select); coding-DNA position 977, T replaced by C.
Protein change: p.Leu326Ser; replaces leucine 326 with serine.
Molecular consequence: missense variant. On other transcripts: non-coding transcript variant (1).
Genome position (GRCh38, 1-based): chr17:58,732,495, T>C. VCF-style: chr17-58732495-T-C. GRCh37 (hg19) VCF-style: chr17-56809856-T-C.
Other names: short protein forms L326S.
Identifiers: ClinVar variation 823473 (VCV000823473.7), dbSNP rs749208768, ClinGen allele CA8677382.
Genomic context (GRCh38, chr17:58,732,495, plus strand): 5'-TTAATTAAGTTCATGTGTTTGTATGTATTTATTCTTTTTCTTTAAGCAGGTTGGCAACAT[T>C]GTACAAGTCACCCAGCCAGAAGGAATGCACAGTACTGTTTCAAATCAAAGTCAGTATTAT-3'
Protein context (NP_478123.1, residues 316-336): HWDRKQRLAT[Leu326Ser]YKSPSQKECT

ClinVar aggregate classification (germline): Uncertain significance. Review status: criteria provided, multiple submitters, no conflicts (2 of 4 stars). 2 submissions from 2 submitters: Uncertain significance (2). Last evaluated 2023-12-21.

Conditions:
Fanconi anemia complementation group O. Also called: RAD51C-Related Fanconi Anemia. Identifiers: Orphanet 84, MedGen C3150653, MONDO:0013248, OMIM 613390.
Hereditary cancer-predisposing syndrome. Also called: Hereditary Cancer Syndrome; Neoplastic Syndromes, Hereditary; Hereditary neoplastic syndrome; Tumor predisposition. Identifiers: Orphanet 140162, MedGen C0027672, MeSH D009386, MONDO:0015356.

Allele frequency attached by ClinVar (database versions not stated): gnomAD exomes below 0.00001; ExAC 0.00001.
gnomAD v4.1: 2 of 1,613,216 alleles (0.00012%); highest among the groups gnomAD compares: South Asian, 0.0022%; no homozygotes.

Submissions (2):

Labcorp Genetics (formerly Invitae), Labcorp
Classification: Uncertain significance for Fanconi anemia complementation group O. Last evaluated: 2023-12-21. Review status: criteria provided, single submitter. Criteria: Invitae Variant Classification Sherloc (09022015). Collection method: clinical testing. Allele origin: germline.
Comment: This sequence change replaces leucine, which is neutral and non-polar, with serine, which is neutral and polar, at codon 326 of the RAD51C protein (p.Leu326Ser). This variant is present in population databases (rs749208768, gnomAD 0.003%). This variant has not been reported in the literature in individuals affected with RAD51C-related conditions. ClinVar contains an entry for this variant (Variation ID: 823473). Advanced modeling of protein sequence and biophysical properties (such as structural, functional, and spatial information, amino acid conservation, physicochemical variation, residue mobility, and thermodynamic stability) performed at Invitae indicates that this missense variant is expected to disrupt RAD51C protein function with a positive predictive value of 80%. In summary, the available evidence is currently insufficient to determine the role of this variant in disease. Therefore, it has been classified as a Variant of Uncertain Significance.

Ambry Genetics
Classification: Uncertain significance for Hereditary cancer-predisposing syndrome. Last evaluated: 2019-01-11. Review status: criteria provided, single submitter. Criteria: Ambry Variant Classification Scheme 2023. Collection method: clinical testing. Allele origin: germline.
Comment: The p.L326S variant (also known as c.977T>C), located in coding exon 8 of the RAD51C gene, results from a T to C substitution at nucleotide position 977. The leucine at codon 326 is replaced by serine, an amino acid with dissimilar properties. This amino acid position is highly conserved in available vertebrate species. In addition, this alteration is predicted to be tolerated by in silico analysis. Since supporting evidence is limited at this time, the clinical significance of this alteration remains unclear.